The following is an entry in ClinVar:

NM_001142864.4(PIEZO1):c.2764G>T (p.Gly922Trp)

Genes: HSALR1 (HSP90AB1 associated lncRNA 1; plus strand), PIEZO1 (piezo type mechanosensitive ion channel component 1 (Er blood group); minus strand). Cytogenetic location: 16q24.3.
Variant type: single nucleotide variant.
Coding change: c.2764G>T on transcript NM_001142864.4 (MANE Select); coding-DNA position 2764, G replaced by T.
Protein change: p.Gly922Trp; replaces glycine 922 with tryptophan.
Molecular consequence: missense variant.
Genome position (GRCh38, 1-based): chr16:88,732,633, C>A on the plus strand (G>T on the coding strand, the complement: PIEZO1 is on the minus strand). VCF-style: chr16-88732633-C-A. GRCh37 (hg19) VCF-style: chr16-88799041-C-A.
Other names: c.1306G>T, p.Gly436Trp (NM_014745.1); c.2764G>T (NM_001142864.2); short protein forms G436W, G922W.
Identifiers: ClinVar variation 2635815 (VCV002635815.3), dbSNP rs765114227, ClinGen allele CA8232713.

ClinVar aggregate classification (germline): Conflicting classifications of pathogenicity. Review status: criteria provided, conflicting classifications (1 of 4 stars). 3 submissions from 3 submitters: Uncertain significance (2); Benign (1). Last evaluated 2026-01-12.

Conditions:
PIEZO1-related disorder. Also called: PIEZO1-Related Disorders; PIEZO1-related condition.

Allele frequency attached by ClinVar (database versions not stated): ExAC 0.00006.
gnomAD v4.1: 35 of 1,549,508 alleles (0.0023%); highest among the groups gnomAD compares: Non-Finnish European, 0.0028%; 1 homozygote.

Submissions (3):

Labcorp Genetics (formerly Invitae), Labcorp
Classification: Benign. Last evaluated: 2026-01-12. Review status: criteria provided, single submitter. Criteria: Invitae Variant Classification Sherloc (09022015). Collection method: clinical testing. Allele origin: germline.

GeneDx
Classification: Uncertain significance. Last evaluated: 2024-12-15. Review status: criteria provided, single submitter. Criteria: GeneDx Variant Classification Process June 2021. Collection method: clinical testing. Allele origin: germline. Affected: yes.
Comment: In silico analysis supports that this missense variant has a deleterious effect on protein structure/function; This variant is associated with the following publications: (PMID: 33772059)

PreventionGenetics, part of Exact Sciences
Classification: Uncertain significance for PIEZO1-related condition. Last evaluated: 2023-05-16. Review status: criteria provided, single submitter. Criteria: ACMG Guidelines, 2015. Collection method: clinical testing. Allele origin: germline.
Comment: The PIEZO1 c.2764G>T variant is predicted to result in the amino acid substitution p.Gly922Trp. This variant was reported in the compound heterozygous state in a study of recurrent pregnancy loss in consanguineous couples using whole exome sequencing on the products of miscarriage (Case 95136, Najafi et al. 2021. PubMed ID: 33772059). This variant is reported in 0.010% of alleles in individuals of European (Non-Finnish) descent in gnomAD. At this time, the clinical significance of this variant is uncertain due to the absence of conclusive functional and genetic evidence.